The following is an entry in ClinVar:

ClinVar aggregate classification (germline): Conflicting classifications of pathogenicity. Review status: criteria provided, conflicting classifications (1 of 4 stars). 8 submissions from 8 submitters: Uncertain significance (4); Likely benign (3). 1 of the submissions does not count toward it. Last evaluated 2026-02-09.

Conditions:
Inborn genetic diseases. Identifiers: MedGen C0950123, MeSH D030342.
Propionic acidemia (PROP). Also called: GLYCINEMIA, KETOTIC; HYPERGLYCINEMIA WITH KETOACIDOSIS AND LEUKOPENIA; KETOTIC HYPERGLYCINEMIA. Identifiers: Orphanet 35, MedGen C0268579, MONDO:0011628, OMIM 606054, HP:0003571.

Allele frequency attached by ClinVar (database versions not stated): TOPMed 0.00060; ESP Exome Variant Server 0.00092.
gnomAD v4.1: 1,057 of 1,612,482 alleles (0.066%); highest among the groups gnomAD compares: Non-Finnish European, 0.067%; 2 homozygotes.

Submissions (8):

GeneDx
Classification: Uncertain significance. Last evaluated: 2026-02-09. Review status: criteria provided, single submitter. Criteria: GeneDx Variant Classification Process June 2021. Collection method: clinical testing. Allele origin: germline. Affected: yes.
Comment: In silico analysis suggests that this missense variant does not alter protein structure/function; Identified in an individual with seizures who was also compound heterozygous for a second variant in PCCA, however, detailed clinical and biochemical results were not provided (PMID: 31780880); This variant is associated with the following publications: (PMID: 34426522, 34440436, 31780880)

Labcorp Genetics (formerly Invitae), Labcorp
Classification: Likely benign for Propionic acidemia. Last evaluated: 2026-02-01. Review status: criteria provided, single submitter. Criteria: Invitae Variant Classification Sherloc (09022015). Collection method: clinical testing. Allele origin: germline.

Blueprint Genetics
Classification: Likely benign. Last evaluated: 2024-04-24. Review status: criteria provided, single submitter. Criteria: ACMG Guidelines, 2015. Collection method: clinical testing. Allele origin: germline.

CeGaT Center for Human Genetics Tuebingen
Classification: Uncertain significance. Last evaluated: 2022-02-01. Review status: criteria provided, single submitter. Criteria: CeGaT Center For Human Genetics Tuebingen Variant Classification Criteria Version 2. Collection method: clinical testing. Allele origin: germline. Affected: yes. Observed: 1 variant allele.

Ambry Genetics
Classification: Likely benign for Inborn genetic diseases. Last evaluated: 2022-01-05. Review status: criteria provided, single submitter. Criteria: Ambry Variant Classification Scheme 2023. Collection method: clinical testing. Allele origin: germline.

Genome-Nilou Lab
Classification: Uncertain significance for Propionic acidemia. Last evaluated: 2021-07-14. Review status: criteria provided, single submitter. Criteria: ACMG Guidelines, 2015. Collection method: clinical testing. Allele origin: germline. Affected: no.

Illumina Laboratory Services, Illumina
Classification: Uncertain significance for Propionic acidemia. Last evaluated: 2018-01-13. Review status: criteria provided, single submitter. Criteria: ICSL Variant Classification Criteria 13 December 2019. Collection method: clinical testing. Allele origin: germline.

Natera, Inc.
Classification: Benign for Propionic acidemia. Last evaluated: 2020-04-17. Review status: no assertion criteria provided. Collection method: clinical testing. Allele origin: germline. Not counted in ClinVar's aggregate classification.

NM_000282.4(PCCA):c.929C>G (p.Ala310Gly)

Gene: PCCA (propionyl-CoA carboxylase subunit alpha; plus strand). Cytogenetic location: 13q32.3.
Variant type: single nucleotide variant.
Coding change: c.929C>G on transcript NM_000282.4 (MANE Select); coding-DNA position 929, C replaced by G.
Protein change: p.Ala310Gly; replaces alanine 310 with glycine.
Molecular consequence: missense variant. On other transcripts: 5 prime UTR variant (3), non-coding transcript variant (5).
Genome position (GRCh38, 1-based): chr13:100,273,210, C>G. VCF-style: chr13-100273210-C-G. GRCh37 (hg19) VCF-style: chr13-100925464-C-G.
Other names: c.851C>G, p.Ala284Gly (NM_001127692.3, NM_001352607.2, NM_001352608.2); c.929C>G, p.Ala310Gly (NM_001178004.2, NM_001352605.2, NM_001352606.2 and 1 more transcripts); c.-17C>G (NM_001352610.2, NM_001352611.2, NM_001352612.2); short protein forms A310G, A284G.
Identifiers: ClinVar variation 788170 (VCV000788170.59), dbSNP rs146927771, ClinGen allele CA7033456.